The following is an entry in ClinVar:

NM_005591.4(MRE11):c.1633C>T (p.Leu545Phe)

Gene: MRE11 (MRE11 double strand break repair nuclease; minus strand). Cytogenetic location: 11q21.
Variant type: single nucleotide variant.
Coding change: c.1633C>T on transcript NM_005591.4 (MANE Select); coding-DNA position 1633, C replaced by T.
Protein change: p.Leu545Phe; replaces leucine 545 with phenylalanine.
Molecular consequence: missense variant.
Genome position (GRCh38, 1-based): chr11:94,447,369, G>A on the plus strand (C>T on the coding strand, the complement: MRE11 is on the minus strand). VCF-style: chr11-94447369-G-A. GRCh37 (hg19) VCF-style: chr11-94180535-G-A.
Other names: c.1633C>T, p.Leu545Phe (NM_001330347.2, NM_005590.4); short protein forms L545F.
Identifiers: ClinVar variation 2586209 (VCV002586209.3), dbSNP rs1945965518, ClinGen allele CA382368559.
Genomic context (GRCh38, chr11:94,447,369, plus strand): 5'-CTGCTGAGATGCTATCATCAGAGTCATTAGCCATCTGTTCTGCTAAATCTATACTCATAA[G>A]GTCATCAGCACTAAAGGCAGAAGCAGACTCCTCTGACTGAGATCTGAGTGCTCTGGCCCT-3'
Protein context (NP_005582.1, residues 535-555): ESASAFSADD[Leu545Phe]MSIDLAEQMA

ClinVar aggregate classification (germline): Uncertain significance (1 of 4 stars; one submission).

Conditions:
Hereditary cancer-predisposing syndrome. Also called: Hereditary neoplastic syndrome; Tumor predisposition; Hereditary Cancer Syndrome; Neoplastic Syndromes, Hereditary. Identifiers: Orphanet 140162, MedGen C0027672, MeSH D009386, MONDO:0015356.

Allele frequency attached by ClinVar (database versions not stated): TOPMed 0.00001.
gnomAD v4.1: 1 of 1,614,086 alleles (0.000062%); no homozygotes.

Submission:

Ambry Genetics
Classification: Uncertain significance for Hereditary cancer-predisposing syndrome. Last evaluated: 2025-08-24. Review status: criteria provided, single submitter. Criteria: Ambry Variant Classification Scheme 2023. Collection method: clinical testing. Allele origin: germline.
Comment: The p.L545F variant (also known as c.1633C>T), located in coding exon 14 of the MRE11A gene, results from a C to T substitution at nucleotide position 1633. The leucine at codon 545 is replaced by phenylalanine, an amino acid with highly similar properties. This amino acid position is conserved. In addition, this alteration is predicted to be tolerated by in silico analysis. Since supporting evidence is limited at this time, the clinical significance of this alteration remains unclear.